The following is an entry in ClinVar:

ClinVar aggregate classification (germline): Uncertain significance (1 of 4 stars; one submission).

Submission:

Labcorp Genetics (formerly Invitae), Labcorp
Classification: Uncertain significance. Last evaluated: 2021-08-28. Review status: criteria provided, single submitter. Criteria: Invitae Variant Classification Sherloc (09022015). Collection method: clinical testing. Allele origin: germline.
Comment: This sequence change creates a premature translational stop signal (p.Leu1676Serfs*20) in the MYH7B gene. It is expected to result in an absent or disrupted protein product. However, the current clinical and genetic evidence is not sufficient to establish whether loss-of-function variants in MYH7B cause disease. This variant is not present in population databases (ExAC no frequency). This variant has not been reported in the literature in individuals with MYH7B-related conditions. In summary, the available evidence is currently insufficient to determine the role of this variant in disease. Therefore, it has been classified as a Variant of Uncertain Significance.

NM_020884.7(MYH7B):c.4898_4899dup (p.Leu1634fs)

Gene: MYH7B (myosin heavy chain 7B; plus strand). Cytogenetic location: 20q11.22.
Variant type: Duplication.
Coding change: c.4898_4899dup on transcript NM_020884.7 (MANE Select); coding-DNA positions 4898 to 4899, 2 bases duplicated (AG; older notation c.4898_4899dupAG).
Protein change: p.Leu1634fs; shifts the reading frame from leucine 1634.
Molecular consequence: frameshift variant.
Genome position (GRCh38, 1-based): chr20:35,000,409-35,000,410, AG duplicated; duplicating any 2 consecutive bases within chr20:35,000,408-35,000,410 gives the same sequence; the c. name uses the placement nearest the transcript's 3' end. VCF-style (leftmost placement, unchanged base first): chr20-35000407-G-GGA. GRCh37 (hg19) VCF-style: chr20-33588210-G-GGA.
Other names: short protein forms L1634fs.
Identifiers: ClinVar variation 1432391 (VCV001432391.7), dbSNP rs1006258441, ClinGen allele CA313487761.
Genomic context (GRCh38, chr20:35,000,407, plus strand): 5'-ACGGGCCCGCAATGAGGCGCTGCGGCTCAAGAAGAAGATGGAGGGTGACCTCAACGACCT[G>GGA]GAGCTGCAGCTGGGCCATGCCACCCGTCAGGCCACAGAGGCCCAGGCTGCCACGCGGCTG-3'